The following is an entry in ClinVar:

NM_000036.3(AMPD1):c.1019C>T (p.Thr340Ile)

Gene: AMPD1 (adenosine monophosphate deaminase 1; minus strand). Cytogenetic location: 1p13.2.
Variant type: single nucleotide variant.
Coding change: c.1019C>T on transcript NM_000036.3 (MANE Select); coding-DNA position 1019, C replaced by T.
Protein change: p.Thr340Ile; replaces threonine 340 with isoleucine.
Molecular consequence: missense variant.
Genome position (GRCh38, 1-based): chr1:114,678,406, G>A on the plus strand (C>T on the coding strand, the complement: AMPD1 is on the minus strand). VCF-style: chr1-114678406-G-A. GRCh37 (hg19) VCF-style: chr1-115221027-G-A.
Other names: c.1007C>T, p.Thr336Ile (NM_001172626.2); short protein forms T336I, T340I.
Identifiers: ClinVar variation 2899587 (VCV002899587.3), dbSNP rs2526353696, ClinGen allele CA341749501.

ClinVar aggregate classification (germline): Uncertain significance (1 of 4 stars; one submission).

Conditions:
Muscle AMP deaminase deficiency (MMDD). Also called: ADENOSINE MONOPHOSPHATE DEAMINASE-1 DEFICIENCY, MYOPATHY DUE TO; Myoadenylate deaminase deficiency, myopathy due to; AMPD1 DEFICIENCY; Adenosine monophosphate deaminase 1 deficiency; AMP deaminase 1 deficiency; Adenosine Monophosphate Deaminase 1. Identifiers: Orphanet 45, MedGen C3714933, MONDO:0014220, OMIM 615511.

Submission:

Labcorp Genetics (formerly Invitae), Labcorp
Classification: Uncertain significance for Muscle AMP deaminase deficiency. Last evaluated: 2023-09-12. Review status: criteria provided, single submitter. Criteria: Invitae Variant Classification Sherloc (09022015). Collection method: clinical testing. Allele origin: germline.
Comment: In summary, the available evidence is currently insufficient to determine the role of this variant in disease. Therefore, it has been classified as a Variant of Uncertain Significance. An algorithm developed to predict the effect of missense changes on protein structure and function (PolyPhen-2) suggests that this variant is likely to be disruptive. This variant has not been reported in the literature in individuals affected with AMPD1-related conditions. This variant is not present in population databases (gnomAD no frequency). This sequence change replaces threonine, which is neutral and polar, with isoleucine, which is neutral and non-polar, at codon 373 of the AMPD1 protein (p.Thr373Ile).